The following is an entry in ClinVar:

ClinVar aggregate classification (germline): Likely pathogenic. Review status: criteria provided, multiple submitters, no conflicts (2 of 4 stars). 2 submissions from 2 submitters: Likely pathogenic (2). Last evaluated 2022-11-08.

Conditions:
Glaucoma 3, primary infantile, B. Also called: GLC3B; GLC3 type B; Primary congenital glaucoma type 3B; Glaucoma primary congenita type 3B; GLAUCOMA, PRIMARY CONGENITAL, TYPE B. Identifiers: Orphanet 98976, MedGen C1832977, MONDO:0010968, OMIM 600975.
Glaucoma 3, primary congenital, D. Identifiers: Orphanet 98976, MedGen C2751316, MONDO:0013122, OMIM 613086.
Weill-Marchesani syndrome 3 (WMS3). Also called: Weill-Marchesani syndrome 3, recessive; LTBP2-Related Weill-Marchesani Syndrome. Identifiers: Orphanet 3449, MedGen C3553785, MONDO:0013899, OMIM 614819.
Microspherophakia and/or megalocornea, with ectopia lentis and with or without secondary glaucoma (MSPKA). Identifiers: Orphanet 238763, MedGen C3538951, MONDO:0009633, OMIM 251750.

Allele frequency attached by ClinVar (database versions not stated): gnomAD exomes below 0.00001; TOPMed below 0.00001.

Submissions (2):

Labcorp Genetics (formerly Invitae), Labcorp
Classification: Likely pathogenic. Last evaluated: 2022-11-08. Review status: criteria provided, single submitter. Criteria: Invitae Variant Classification Sherloc (09022015). Collection method: clinical testing. Allele origin: germline.
Comment: In summary, the currently available evidence indicates that the variant is pathogenic, but additional data are needed to prove that conclusively. Therefore, this variant has been classified as Likely Pathogenic. Algorithms developed to predict the effect of sequence changes on RNA splicing suggest that this variant may disrupt the consensus splice site. ClinVar contains an entry for this variant (Variation ID: 1507148). This variant has not been reported in the literature in individuals affected with LTBP2-related conditions. The frequency data for this variant in the population databases is considered unreliable, as metrics indicate poor data quality at this position in the gnomAD database. This sequence change affects an acceptor splice site in intron 13 of the LTBP2 gene. It is expected to disrupt RNA splicing. Variants that disrupt the donor or acceptor splice site typically lead to a loss of protein function (PMID: 16199547), and loss-of-function variants in LTBP2 are known to be pathogenic (PMID: 19361779, 22025892).

Fulgent Genetics
Classification: Likely pathogenic for Microspherophakia and/or megalocornea, with ectopia lentis and with or without secondary glaucoma; Glaucoma 3, primary infantile, B; Glaucoma 3, primary congenital, D; Weill-Marchesani syndrome 3. Last evaluated: 2021-11-07. Review status: criteria provided, single submitter. Criteria: ACMG Guidelines, 2015. Collection method: clinical testing. Allele origin: unknown.

Literature cited by the submitters: PubMed 16199547 (cited by Labcorp Genetics (formerly Invitae), Labcorp); PubMed 19361779 (cited by Labcorp Genetics (formerly Invitae), Labcorp); PubMed 22025892 (cited by Labcorp Genetics (formerly Invitae), Labcorp).

NM_000428.3(LTBP2):c.2389-2A>G

Gene: LTBP2 (latent transforming growth factor beta binding protein 2; minus strand). Cytogenetic location: 14q24.3.
Variant type: single nucleotide variant.
Coding change: c.2389-2A>G on transcript NM_000428.3 (MANE Select); the canonical splice acceptor site of the intron before coding-DNA position 2389, A replaced by G.
Molecular consequence: splice acceptor variant.
Genome position (GRCh38, 1-based): chr14:74,526,116, T>C on the plus strand (A>G on the coding strand, the complement: LTBP2 is on the minus strand). VCF-style: chr14-74526116-T-C. GRCh37 (hg19) VCF-style: chr14-74992819-T-C.
Identifiers: ClinVar variation 1507148 (VCV001507148.7), dbSNP rs1327636983, ClinGen allele CA390393194.